The following is an entry in ClinVar:

NM_001005242.3(PKP2):c.1820_1823dup (p.Ser608fs)

Gene: PKP2 (plakophilin 2; minus strand). Cytogenetic location: 12p11.21.
Variant type: Duplication.
Coding change: c.1820_1823dup on transcript NM_001005242.3 (MANE Select); coding-DNA positions 1820 to 1823, 4 bases duplicated (GAAG; older notation c.1820_1823dupGAAG).
Protein change: p.Ser608fs; shifts the reading frame from serine 608.
Molecular consequence: frameshift variant.
Genome position (GRCh38, 1-based): chr12:32,822,483-32,822,486, CTTC duplicated on the plus strand (GAAG on the coding strand, the reverse complement: PKP2 is on the minus strand). VCF-style (leftmost placement, unchanged base first): chr12-32822482-G-GCTTC. GRCh37 (hg19) VCF-style: chr12-32975416-G-GCTTC.
Other names: p.Ser652fs; c.1952_1955dupGAAG (NM_004572.3); c.1952_1955dup, p.Ser652fs (NM_004572.4); c.1952_1955dup (NM_004572.3); short protein forms S652fs, S608fs.
Identifiers: ClinVar variation 45051 (VCV000045051.17), dbSNP rs397517013, ClinGen allele CA261697.
Genomic context (GRCh38, chr12:32,822,482, plus strand): 5'-CTCATTCTCTCCCTTTCTCATTCTTTCAAAAACTTCCCAATATACCTCTTTTACTTTCCT[G>GCTTC]CTTCGACTGCCAAAACATCCAATACTTTTGTTGTTGTCAGTCTGGATATTCCGGTTTTGA-3'

ClinVar aggregate classification (germline): Pathogenic/Likely pathogenic. Review status: criteria provided, multiple submitters, no conflicts (2 of 4 stars). 5 submissions from 5 submitters: Pathogenic (3); Likely pathogenic (1). 1 of the submissions does not count toward it. Last evaluated 2025-05-27.

Conditions:
Cardiovascular phenotype. Identifiers: MedGen CN230736.
Arrhythmogenic right ventricular cardiomyopathy (ARVD). Also called: Arrhythmogenic right ventricular dysplasia; Arrhythmogenic cardiomyopathy; Arrhythmogenic Right Ventricular Cardiomyopathy (ARVC); Cardiomyopathy, ARVC. Identifiers: Orphanet 247, MedGen C0349788, MeSH D019571, MONDO:0016587. Disease mechanism: loss of function. Inheritance: Various modes of inheritance.
Arrhythmogenic right ventricular dysplasia 9 (ARVD9). Also called: ARRHYTHMOGENIC RIGHT VENTRICULAR DYSPLASIA, FAMILIAL, 9; Arrhythmogenic Right Ventricular Dysplasia/Cardiomyopathy 9. Identifiers: MedGen C1836906, MONDO:0012180, OMIM 609040.

Allele frequency attached by ClinVar (database versions not stated): gnomAD exomes below 0.00001.

Submissions (5):

Labcorp Genetics (formerly Invitae), Labcorp
Classification: Pathogenic for Arrhythmogenic right ventricular dysplasia 9. Last evaluated: 2025-05-27. Review status: criteria provided, single submitter. Criteria: Invitae Variant Classification Sherloc (09022015). Collection method: clinical testing. Allele origin: germline.
Comment: This sequence change creates a premature translational stop signal (p.Ser652Argfs*92) in the PKP2 gene. It is expected to result in an absent or disrupted protein product. Loss-of-function variants in PKP2 are known to be pathogenic (PMID: 15489853, 17041889, 23911551). This variant is not present in population databases (gnomAD no frequency). This variant has not been reported in the literature in individuals affected with PKP2-related conditions. ClinVar contains an entry for this variant (Variation ID: 45051). For these reasons, this variant has been classified as Pathogenic.

Greenwood Genetic Center Diagnostic Laboratories, Greenwood Genetic Center
Classification: Likely pathogenic for Arrhythmogenic right ventricular dysplasia 9. Last evaluated: 2024-01-08. Review status: criteria provided, single submitter. Criteria: ACMG Guidelines, 2015. Collection method: clinical testing. Allele origin: germline.
Comment: PVS1, PM2

GeneDx
Classification: Pathogenic. Last evaluated: 2020-11-09. Review status: criteria provided, single submitter. Criteria: GeneDx Variant Classification Process June 2021. Collection method: clinical testing. Allele origin: germline. Affected: yes.
Comment: Has not been previously published as pathogenic or benign to our knowledge; Not observed in large population cohorts (Lek et al., 2016); Frameshift variant predicted to result in protein truncation or nonsense mediated decay in a gene for which loss-of-function is a known mechanism of disease; Reported in ClinVar as pathogenic/likely pathogenic (ClinVar Variant ID# 45051; Landrum et al., 2016); This variant is associated with the following publications: (PMID: 32372669)

Ambry Genetics
Classification: Pathogenic for Cardiovascular phenotype. Last evaluated: 2019-05-08. Review status: criteria provided, single submitter. Criteria: Ambry Variant Classification Scheme 2023. Collection method: clinical testing. Allele origin: germline.
Comment: The c.1952_1955dupGAAG pathogenic mutation, located in coding exon 9 of the PKP2 gene, results from a duplication of GAAG at nucleotide positions 1952 to 1955, causing a translational frameshift with a predicted alternate stop codon (p.S652Rfs*92). This alteration is expected to result in loss of function by premature protein truncation or nonsense-mediated mRNA decay. As such, this alteration is interpreted as a disease-causing mutation.

Laboratory for Molecular Medicine, Mass General Brigham Personalized Medicine
Classification: Likely pathogenic for Arrhythmogenic right ventricular cardiomyopathy. Last evaluated: 2008-12-09. Review status: no assertion criteria provided. Collection method: clinical testing. Allele origin: germline. Observed: 1 variant allele. Not counted in ClinVar's aggregate classification.

Literature cited by the submitters: PubMed 15489853 (cited by Labcorp Genetics (formerly Invitae), Labcorp); PubMed 17041889 (cited by Labcorp Genetics (formerly Invitae), Labcorp); PubMed 23911551 (cited by Labcorp Genetics (formerly Invitae), Labcorp).